The following is an entry in ClinVar:

NM_005263.5(GFI1):c.1163G>A (p.Arg388His)

Genes: GFI1 (growth factor independent 1 transcriptional repressor; minus strand), LOC129930930 (ATAC-STARR-seq lymphoblastoid active region 1314; plus strand). Cytogenetic location: 1p22.1.
Variant type: single nucleotide variant.
Coding change: c.1163G>A on transcript NM_005263.5 (MANE Select); coding-DNA position 1163, G replaced by A.
Protein change: p.Arg388His; replaces arginine 388 with histidine.
Molecular consequence: missense variant.
Genome position (GRCh38, 1-based): chr1:92,476,135, C>T on the plus strand (G>A on the coding strand, the complement: GFI1 is on the minus strand). VCF-style: chr1-92476135-C-T. GRCh37 (hg19) VCF-style: chr1-92941692-C-T.
Other names: c.1163G>A, p.Arg388His (NM_001127215.3, NM_001127216.3); short protein forms R388H.
Identifiers: ClinVar variation 3853655 (VCV003853655.1).

ClinVar aggregate classification (germline): Uncertain significance (1 of 4 stars; one submission).

Submission:

Ambry Genetics
Classification: Uncertain significance. Last evaluated: 2024-12-16. Review status: criteria provided, single submitter. Criteria: Ambry Variant Classification Scheme 2023. Collection method: clinical testing. Allele origin: germline.
Comment: The p.R388H variant (also known as c.1163G>A), located in coding exon 6 of the GFI1 gene, results from a G to A substitution at nucleotide position 1163. The arginine at codon 388 is replaced by histidine, an amino acid with highly similar properties. This amino acid position is conserved. In addition, the in silico prediction for this alteration is inconclusive. Based on the available evidence, the clinical significance of this variant remains unclear.